The following is an entry in ClinVar:

NM_003322.6(TULP1):c.932G>C (p.Arg311Pro)

Gene: TULP1 (TUB like protein 1; minus strand). Cytogenetic location: 6p21.31.
Variant type: single nucleotide variant.
Coding change: c.932G>C on transcript NM_003322.6 (MANE Select); coding-DNA position 932, G replaced by C.
Protein change: p.Arg311Pro; replaces arginine 311 with proline.
Molecular consequence: missense variant.
Genome position (GRCh38, 1-based): chr6:35,506,070, C>G on the plus strand (G>C on the coding strand, the complement: TULP1 is on the minus strand). VCF-style: chr6-35506070-C-G. GRCh37 (hg19) VCF-style: chr6-35473847-C-G.
Other names: c.773G>C, p.Arg258Pro (NM_001289395.2); short protein forms R258P, R311P.
Identifiers: ClinVar variation 2025998 (VCV002025998.4), dbSNP rs1279906432, ClinGen allele CA363780230.

ClinVar aggregate classification (germline): Likely pathogenic (1 of 4 stars; one submission).

Submission:

Labcorp Genetics (formerly Invitae), Labcorp
Classification: Likely pathogenic. Last evaluated: 2026-01-12. Review status: criteria provided, single submitter. Criteria: Invitae Variant Classification Sherloc (09022015). Collection method: clinical testing. Allele origin: germline.
Comment: This sequence change replaces arginine, which is basic and polar, with proline, which is neutral and non-polar, at codon 311 of the TULP1 protein (p.Arg311Pro). This variant is not present in population databases (gnomAD no frequency). This variant has not been reported in the literature in individuals affected with TULP1-related conditions. ClinVar contains an entry for this variant (Variation ID: 2025998). Invitae Evidence Modeling of protein sequence and biophysical properties (such as structural, functional, and spatial information, amino acid conservation, physicochemical variation, residue mobility, and thermodynamic stability) indicates that this missense variant is expected to disrupt TULP1 protein function with a positive predictive value of 95%. This variant disrupts the p.Arg311 amino acid residue in TULP1. Other variant(s) that disrupt this residue have been determined to be pathogenic (PMID: 21792230, 28559085). This suggests that this residue is clinically significant, and that variants that disrupt this residue are likely to be disease-causing. In summary, the currently available evidence indicates that the variant is pathogenic, but additional data are needed to prove that conclusively. Therefore, this variant has been classified as Likely Pathogenic.

Literature cited by the submitters: PubMed 21792230; PubMed 28559085.